The following is an entry in ClinVar:

NM_001163809.2(WDR81):c.723C>T (p.Ser241=)

Gene: WDR81 (WD repeat domain 81; plus strand). Cytogenetic location: 17p13.3.
Variant type: single nucleotide variant.
Coding change: c.723C>T on transcript NM_001163809.2 (MANE Select); coding-DNA position 723, C replaced by T.
Protein change: p.Ser241=; no amino-acid change (serine 241 retained).
Molecular consequence: synonymous variant. On other transcripts: intron variant (3).
Genome position (GRCh38, 1-based): chr17:1,725,682, C>T. VCF-style: chr17-1725682-C-T. GRCh37 (hg19) VCF-style: chr17-1628976-C-T.
Other names: c.-123-2308C>T (NM_152348.4); c.59-4698C>T (NM_001163673.2); c.-15+896C>T (NM_001163811.2).
Identifiers: ClinVar variation 3352939 (VCV003352939.2).
Genomic context (GRCh38, chr17:1,725,682, plus strand): 5'-TGAGGCCTTGCTGGAGTCGCCGGAGATGCTGTATGTGGTACACCCTTACGTACAGTTCTC[C>T]CTACATGACGTGGTCACCTTCAGCCCTGCCAAGCTGACCAACAGCCAGGCCAAGGTGCTG-3'
Protein context (NP_001157281.1, residues 231-251): LYVVHPYVQF[Ser241=]LHDVVTFSPA

ClinVar aggregate classification (germline): Likely benign. Review status: criteria provided, single submitter (1 of 4 stars). 2 submissions from 2 submitters: Likely benign (1). 1 of the submissions does not count toward it. Last evaluated 2024-09-27.

Conditions:
WDR81-related disorder. Also called: WDR81-related condition.

gnomAD v4.1: 7 of 1,548,900 alleles (0.00045%); highest among the groups gnomAD compares: Middle Eastern, 0.083%; no homozygotes.

Submissions (2):

Blueprint Genetics
Classification: Likely benign. Last evaluated: 2024-09-27. Review status: criteria provided, single submitter. Criteria: ACMG Guidelines, 2015. Collection method: clinical testing. Allele origin: germline.

PreventionGenetics, part of Exact Sciences
Classification: Likely benign for WDR81-related condition. Last evaluated: 2019-02-21. Review status: no assertion criteria provided. Collection method: clinical testing. Allele origin: germline. Not counted in ClinVar's aggregate classification.
Comment: This variant is classified as likely benign based on ACMG/AMP sequence variant interpretation guidelines (Richards et al. 2015 PMID: 25741868, with internal and published modifications).